The following is an entry in ClinVar:

ClinVar aggregate classification (germline): Uncertain significance (1 of 4 stars; one submission).

Submission:

GeneDx
Classification: Uncertain significance. Last evaluated: 2022-07-27. Review status: criteria provided, single submitter. Criteria: GeneDx Variant Classification Process June 2021. Collection method: clinical testing. Allele origin: germline. Affected: yes.
Comment: Not observed at significant frequency in large population cohorts (gnomAD); In silico analysis supports that this missense variant has a deleterious effect on protein structure/function; Has not been previously published as pathogenic or benign to our knowledge

NM_001282597.3(CTNNA2):c.1163T>C (p.Ile388Thr)

Gene: CTNNA2 (catenin alpha 2; plus strand). Cytogenetic location: 2p12.
Variant type: single nucleotide variant.
Coding change: c.1163T>C on transcript NM_001282597.3 (MANE Select); coding-DNA position 1163, T replaced by C.
Protein change: p.Ile388Thr; replaces isoleucine 388 with threonine.
Molecular consequence: missense variant.
Genome position (GRCh38, 1-based): chr2:80,419,474, T>C. VCF-style: chr2-80419474-T-C. GRCh37 (hg19) VCF-style: chr2-80646599-T-C.
Other names: c.1163T>C, p.Ile388Thr (NM_001164883.2, NM_001399737.1, NM_004389.4); c.1265T>C, p.Ile422Thr (NM_001282598.2); c.200T>C, p.Ile67Thr (NM_001282599.2); c.59T>C, p.Ile20Thr (NM_001282600.2, NM_001320810.2); short protein forms I20T, I388T, I422T, I67T.
Identifiers: ClinVar variation 2413003 (VCV002413003.3), dbSNP rs2466915705, ClinGen allele CA347506278.
Genomic context (GRCh38, chr2:80,419,474, plus strand): 5'-TTGTATGTCATTTTTTGTTTTTGTTTCAACTGTAGCTTCGGAAAGCAGTGATGGATCACA[T>C]ATCTGACTCTTTCCTGGAAACCAATGTTCCTTTGCTAGTTCTCATTGAGGCTGCAAAGAG-3'
Protein context (NP_001269526.1, residues 378-398): RQLRKAVMDH[Ile388Thr]SDSFLETNVP